The following is an entry in ClinVar:

ClinVar aggregate classification (germline): Uncertain significance (1 of 4 stars; one submission).

Conditions:
Inborn genetic diseases. Identifiers: MedGen C0950123, MeSH D030342.

Submission:

Ambry Genetics
Classification: Uncertain significance for Inborn genetic diseases. Last evaluated: 2023-04-03. Review status: criteria provided, single submitter. Criteria: Ambry Variant Classification Scheme 2023. Collection method: clinical testing. Allele origin: germline.
Comment: The c.1376C>G (p.P459R) alteration is located in exon 3 (coding exon 3) of the KCNN3 gene. This alteration results from a C to G substitution at nucleotide position 1376, causing the proline (P) at amino acid position 459 to be replaced by an arginine (R). This variant was not reported in population-based cohorts in the Genome Aggregation Database (gnomAD). This amino acid position is highly conserved in available vertebrate species. The in silico prediction for this alteration is inconclusive. Based on insufficient or conflicting evidence, the clinical significance of this alteration remains unclear.

NM_002249.6(KCNN3):c.1376C>G (p.Pro459Arg)

Gene: KCNN3 (potassium calcium-activated channel subfamily N member 3; minus strand). Cytogenetic location: 1q21.3.
Variant type: single nucleotide variant.
Coding change: c.1376C>G on transcript NM_002249.6 (MANE Select); coding-DNA position 1376, C replaced by G.
Protein change: p.Pro459Arg; replaces proline 459 with arginine.
Molecular consequence: missense variant.
Genome position (GRCh38, 1-based): chr1:154,772,047, G>C on the plus strand (C>G on the coding strand, the complement: KCNN3 is on the minus strand). VCF-style: chr1-154772047-G-C. GRCh37 (hg19) VCF-style: chr1-154744523-G-C.
Other names: c.1376C>G, p.Pro459Arg (NM_001204087.2); c.437C>G, p.Pro146Arg (NM_001365837.1, NM_001365838.1); c.461C>G, p.Pro154Arg (NM_170782.3); short protein forms P459R, P146R, P154R.
Identifiers: ClinVar variation 2520637 (VCV002520637.2), dbSNP rs2524731197, ClinGen allele CA343066439.